The following is an entry in ClinVar:

NM_001385641.1(SAMD11):c.2299C>T (p.Arg767Cys)

Gene: SAMD11 (sterile alpha motif domain containing 11; plus strand). Cytogenetic location: 1p36.33.
Variant type: single nucleotide variant.
Coding change: c.2299C>T on transcript NM_001385641.1 (MANE Select); coding-DNA position 2299, C replaced by T.
Protein change: p.Arg767Cys; replaces arginine 767 with cysteine.
Molecular consequence: missense variant.
Genome position (GRCh38, 1-based): chr1:943,917, C>T. VCF-style: chr1-943917-C-T. GRCh37 (hg19) VCF-style: chr1-879297-C-T.
Other names: c.2302C>T, p.Arg768Cys (NM_001385640.1); c.1810C>T, p.Arg604Cys (NM_152486.4); short protein forms R604C, R767C, R768C.
Identifiers: ClinVar variation 847407 (VCV000847407.9), dbSNP rs140566193, ClinGen allele CA503326.
Genomic context (GRCh38, chr1:943,917, plus strand): 5'-GAAAGCTCTGGGTGGGTGTGCGACAGCCCCCACCAGGCCATCTCTCTGCAGGTGGCCAGG[C>T]GCCTGGGCCGAGTTTTCTACGTGGCCAGCTTCCCCGTGGCTCTGCCACTGCAGCCACCAA-3'
Protein context (NP_001372570.1, residues 757-777): ALKIRAQVAR[Arg767Cys]LGRVFYVASF

ClinVar aggregate classification (germline): Uncertain significance (1 of 4 stars; one submission).

Allele frequency attached by ClinVar (database versions not stated): ExAC 0.00004; TOPMed 0.00006; gnomAD 0.00007 and 0.00008; ESP Exome Variant Server 0.00015.
gnomAD v4.1: 75 of 1,612,614 alleles (0.0047%); highest among the groups gnomAD compares: African/African-American, 0.015%; no homozygotes.

Submission:

Labcorp Genetics (formerly Invitae), Labcorp
Classification: Uncertain significance. Last evaluated: 2023-12-19. Review status: criteria provided, single submitter. Criteria: Invitae Variant Classification Sherloc (09022015). Collection method: clinical testing. Allele origin: germline.
Comment: This sequence change replaces arginine, which is basic and polar, with cysteine, which is neutral and slightly polar, at codon 604 of the SAMD11 protein (p.Arg604Cys). This variant is present in population databases (rs140566193, gnomAD 0.02%). This variant has not been reported in the literature in individuals affected with SAMD11-related conditions. ClinVar contains an entry for this variant (Variation ID: 847407). An algorithm developed to predict the effect of missense changes on protein structure and function (PolyPhen-2) suggests that this variant is likely to be disruptive. In summary, the available evidence is currently insufficient to determine the role of this variant in disease. Therefore, it has been classified as a Variant of Uncertain Significance.